The following is an entry in ClinVar:

NM_032043.3(BRIP1):c.2134G>A (p.Gly712Ser)

Gene: BRIP1 (BRCA1 interacting DNA helicase 1; minus strand). Cytogenetic location: 17q23.2.
Variant type: single nucleotide variant.
Coding change: c.2134G>A on transcript NM_032043.3 (MANE Select); coding-DNA position 2134, G replaced by A.
Protein change: p.Gly712Ser; replaces glycine 712 with serine.
Molecular consequence: missense variant.
Genome position (GRCh38, 1-based): chr17:61,744,555, C>T on the plus strand (G>A on the coding strand, the complement: BRIP1 is on the minus strand). VCF-style: chr17-61744555-C-T. GRCh37 (hg19) VCF-style: chr17-59821916-C-T.
Other names: short protein forms G712S.
Identifiers: ClinVar variation 2680322 (VCV002680322.3), dbSNP rs2077033501, ClinGen allele CA400483247.

ClinVar aggregate classification (germline): Uncertain significance. Review status: criteria provided, multiple submitters, no conflicts (2 of 4 stars). 2 submissions from 2 submitters: Uncertain significance (2). Last evaluated 2026-06-14.

Conditions:
Hereditary cancer-predisposing syndrome. Also called: Tumor predisposition; Hereditary neoplastic syndrome; Neoplastic Syndromes, Hereditary; Hereditary Cancer Syndrome. Identifiers: Orphanet 140162, MedGen C0027672, MeSH D009386, MONDO:0015356.
Familial cancer of breast. Also called: hereditary breast carcinoma; Hereditary breast cancer; BREAST CANCER, FAMILIAL. Identifiers: Orphanet 227535, MedGen C0346153, MONDO:0016419, OMIM 114480. Disease mechanism: loss of function.

Allele frequency attached by ClinVar (database versions not stated): gnomAD exomes below 0.00001; TOPMed below 0.00001.
gnomAD v4.1: 1 of 1,613,782 alleles (0.000062%); highest among the groups gnomAD compares: Non-Finnish European, 0.000085%; no homozygotes.

Submissions (2):

Ambry Genetics
Classification: Uncertain significance for Hereditary cancer-predisposing syndrome. Last evaluated: 2026-06-14. Review status: criteria provided, single submitter. Criteria: Ambry Variant Classification Scheme 2023. Collection method: clinical testing. Allele origin: germline.
Comment: The p.G712S variant (also known as c.2134G>A), located in coding exon 14 of the BRIP1 gene, results from a G to A substitution at nucleotide position 2134. The glycine at codon 712 is replaced by serine, an amino acid with similar properties. This amino acid position is conserved. In addition, this alteration is predicted to be deleterious by in silico analysis. Based on the available evidence, the clinical significance of this variant remains unclear.

Baylor Genetics
Classification: Uncertain significance for Familial cancer of breast. Last evaluated: 2024-03-19. Review status: criteria provided, single submitter. Criteria: ACMG Guidelines, 2015. Collection method: clinical testing. Allele origin: unknown.